The following is an entry in ClinVar:

ClinVar aggregate classification (germline): Uncertain significance (1 of 4 stars; one submission).

Conditions:
CHARGE syndrome (CHARGE). Also called: Hittner Hirsch Kreh syndrome; CHARGE ASSOCIATION--COLOBOMA, HEART ANOMALY, CHOANAL ATRESIA, RETARDATION, GENITAL AND EAR ANOMALIES; Coloboma, heart anomaly, choanal atresia, retardation, genital and ear anomalies; CHARGE association; Hall-Hittner syndrome. Identifiers: Orphanet 138, MedGen C0265354, MONDO:0008965.

gnomAD v4.1: 8 of 1,613,872 alleles (0.0005%); highest among the groups gnomAD compares: Non-Finnish European, 0.00068%; no homozygotes.

Submission:

Labcorp Genetics (formerly Invitae), Labcorp
Classification: Uncertain significance for CHARGE syndrome. Last evaluated: 2024-02-11. Review status: criteria provided, single submitter. Criteria: Invitae Variant Classification Sherloc (09022015). Collection method: clinical testing. Allele origin: germline.
Comment: This sequence change replaces isoleucine, which is neutral and non-polar, with methionine, which is neutral and non-polar, at codon 2572 of the CHD7 protein (p.Ile2572Met). This variant is not present in population databases (gnomAD no frequency). This variant has not been reported in the literature in individuals affected with CHD7-related conditions. Advanced modeling of protein sequence and biophysical properties (such as structural, functional, and spatial information, amino acid conservation, physicochemical variation, residue mobility, and thermodynamic stability) has been performed at Invitae for this missense variant, however the output from this modeling did not meet the statistical confidence thresholds required to predict the impact of this variant on CHD7 protein function. In summary, the available evidence is currently insufficient to determine the role of this variant in disease. Therefore, it has been classified as a Variant of Uncertain Significance.

NM_017780.4(CHD7):c.7716C>G (p.Ile2572Met)

Gene: CHD7 (chromodomain helicase DNA binding protein 7; plus strand). Cytogenetic location: 8q12.2.
Variant type: single nucleotide variant.
Coding change: c.7716C>G on transcript NM_017780.4 (MANE Select); coding-DNA position 7716, C replaced by G.
Protein change: p.Ile2572Met; replaces isoleucine 2572 with methionine.
Molecular consequence: missense variant. On other transcripts: intron variant (1).
Genome position (GRCh38, 1-based): chr8:60,861,011, C>G. VCF-style: chr8-60861011-C-G. GRCh37 (hg19) VCF-style: chr8-61773570-C-G.
Other names: c.1717-1218C>G (NM_001316690.1); short protein forms I2572M.
Identifiers: ClinVar variation 3606432 (VCV003606432.2).